The following is an entry in ClinVar:

ClinVar aggregate classification (germline): Uncertain significance (1 of 4 stars; one submission).

Conditions:
Inborn genetic diseases. Identifiers: MedGen C0950123, MeSH D030342.

gnomAD v4.1: 5 of 1,612,314 alleles (0.00031%); highest among the groups gnomAD compares: Non-Finnish European, 0.00042%; no homozygotes.

Submission:

Ambry Genetics
Classification: Uncertain significance for Inborn genetic diseases. Last evaluated: 2025-10-14. Review status: criteria provided, single submitter. Criteria: Ambry Variant Classification Scheme 2023. Collection method: clinical testing. Allele origin: germline.
Comment: The c.139-21G>A intronic variant results from a G to A substitution 21 nucleotides upstream from coding exon 3 in the DDX41 gene. This nucleotide position is highly conserved in available vertebrate species. In silico splice site analysis predicts that this alteration may result in the creation or strengthening of a novel splice acceptor site; however, direct evidence is insufficient at this time (Ambry internal data). Based on the available evidence, the clinical significance of this variant remains unclear.

NM_016222.4(DDX41):c.139-21G>A

Gene: DDX41 (DEAD-box helicase 41; minus strand). Cytogenetic location: 5q35.3.
Variant type: single nucleotide variant.
Coding change: c.139-21G>A on transcript NM_016222.4 (MANE Select); 21 bases into the intron before coding-DNA position 139, G replaced by A.
Molecular consequence: intron variant. On other transcripts: 5 prime UTR variant (2).
Genome position (GRCh38, 1-based): chr5:177,516,468, C>T on the plus strand (G>A on the coding strand, the complement: DDX41 is on the minus strand). VCF-style: chr5-177516468-C-T. GRCh37 (hg19) VCF-style: chr5-176943469-C-T.
Other names: c.-261G>A (NM_001321732.2, NM_001321830.2).
Identifiers: ClinVar variation 3839005 (VCV003839005.2).